The following is an entry in ClinVar:

NM_018006.5(TRMU):c.800G>C (p.Arg267Thr)

Gene: TRMU (tRNA mitochondrial 2-thiouridylase; plus strand). Cytogenetic location: 22q13.31.
Variant type: single nucleotide variant.
Coding change: c.800G>C on transcript NM_018006.5 (MANE Select); coding-DNA position 800, G replaced by C.
Protein change: p.Arg267Thr; replaces arginine 267 with threonine.
Molecular consequence: missense variant. On other transcripts: non-coding transcript variant (2).
Genome position (GRCh38, 1-based): chr22:46,353,794, G>C. VCF-style: chr22-46353794-G-C. GRCh37 (hg19) VCF-style: chr22-46749691-G-C.
Other names: c.800G>C (NM_018006.4); c.*244G>C (NM_001008568.2); c.*338G>C (NM_001008570.2); c.458G>C, p.Arg153Thr (NM_001282782.2); c.380G>C, p.Arg127Thr (NM_001282783.2, NM_001282784.2); c.800G>C, p.Arg267Thr (NM_001282785.2); short protein forms R267T, R153T, R127T.
Identifiers: ClinVar variation 1914352 (VCV001914352.3), dbSNP rs1232007053, ClinGen allele CA411947163.

ClinVar aggregate classification (germline): Uncertain significance. Review status: criteria provided, multiple submitters, no conflicts (2 of 4 stars). 2 submissions from 2 submitters: Uncertain significance (2). Last evaluated 2024-10-26.

Conditions:
TRMU-related disorder. Also called: TRMU-related condition.

Allele frequency attached by ClinVar (database versions not stated): gnomAD 0.00001; TOPMed 0.00001.
gnomAD v4.1: 3 of 1,613,822 alleles (0.00019%); highest among the groups gnomAD compares: Admixed American, 0.0033%; no homozygotes.

Submissions (2):

PreventionGenetics, part of Exact Sciences
Classification: Uncertain significance for TRMU-related condition. Last evaluated: 2024-10-26. Review status: criteria provided, single submitter. Criteria: ACMG Guidelines, 2015. Collection method: clinical testing. Allele origin: germline.
Comment: The TRMU c.800G>C variant is predicted to result in the amino acid substitution p.Arg267Thr. To our knowledge, this variant has not been reported in the literature. This variant is reported in 0.0056% of alleles in individuals of Latino descent in gnomAD. At this time, the clinical significance of this variant is uncertain due to the absence of conclusive functional and genetic evidence.

Labcorp Genetics (formerly Invitae), Labcorp
Classification: Uncertain significance. Last evaluated: 2022-03-14. Review status: criteria provided, single submitter. Criteria: Invitae Variant Classification Sherloc (09022015). Collection method: clinical testing. Allele origin: germline.
Comment: This sequence change replaces arginine, which is basic and polar, with threonine, which is neutral and polar, at codon 267 of the TRMU protein (p.Arg267Thr). This variant is present in population databases (no rsID available, gnomAD 0.006%). This variant has not been reported in the literature in individuals affected with TRMU-related conditions. Algorithms developed to predict the effect of missense changes on protein structure and function (SIFT, PolyPhen-2, Align-GVGD) all suggest that this variant is likely to be disruptive. In summary, the available evidence is currently insufficient to determine the role of this variant in disease. Therefore, it has been classified as a Variant of Uncertain Significance.